The following is an entry in ClinVar:

NM_001130144.3(LTBP3):c.864+2T>C

Gene: LTBP3 (latent transforming growth factor beta binding protein 3; minus strand). Cytogenetic location: 11q13.1.
Variant type: single nucleotide variant.
Coding change: c.864+2T>C on transcript NM_001130144.3 (MANE Select); the canonical splice donor site of the intron after coding-DNA position 864, T replaced by C.
Molecular consequence: splice donor variant.
Genome position (GRCh38, 1-based): chr11:65,553,699, A>G on the plus strand (T>C on the coding strand, the complement: LTBP3 is on the minus strand). VCF-style: chr11-65553699-A-G. GRCh37 (hg19) VCF-style: chr11-65321170-A-G.
Other names: c.513+2T>C (NM_001164266.1); c.864+2T>C (NM_021070.4).
Identifiers: ClinVar variation 4722399 (VCV004722399.1).

ClinVar aggregate classification (germline): Likely pathogenic (1 of 4 stars; one submission).

Conditions:
Brachyolmia-amelogenesis imperfecta syndrome. Also called: PLATYSPONDYLY WITH AMELOGENESIS IMPERFECTA; Tooth agenesis, selective, 6; Dental anomalies and short stature. Identifiers: Orphanet 2899, MedGen C1832594, MONDO:0011018, OMIM 601216. Disease mechanism: loss of function.

Submission:

Labcorp Genetics (formerly Invitae), Labcorp
Classification: Likely pathogenic for Brachyolmia-amelogenesis imperfecta syndrome. Last evaluated: 2025-10-14. Review status: criteria provided, single submitter. Criteria: Invitae Variant Classification Sherloc (09022015). Collection method: clinical testing. Allele origin: germline.
Comment: This sequence change affects a donor splice site in intron 3 of the LTBP3 gene. It is expected to disrupt RNA splicing. Variants that disrupt the donor or acceptor splice site typically lead to a loss of protein function (PMID: 16199547), and loss-of-function variants in LTBP3 are known to be pathogenic (PMID: 11790802, 19344874, 25669657). This variant is not present in population databases (gnomAD no frequency). This variant has not been reported in the literature in individuals affected with LTBP3-related conditions. Algorithms developed to predict the effect of sequence changes on RNA splicing suggest that this variant may disrupt the consensus splice site. In summary, the currently available evidence indicates that the variant is pathogenic, but additional data are needed to prove that conclusively. Therefore, this variant has been classified as Likely Pathogenic.

Literature cited by the submitters: PubMed 16199547; PubMed 11790802; PubMed 19344874; PubMed 25669657.